The following is an entry in ClinVar:

ClinVar aggregate classification (germline): Uncertain significance. Review status: criteria provided, multiple submitters, no conflicts (2 of 4 stars). 2 submissions from 2 submitters: Uncertain significance (2). Last evaluated 2026-01-28.

Conditions:
Hereditary cancer-predisposing syndrome. Also called: Neoplastic Syndromes, Hereditary; Hereditary Cancer Syndrome; Tumor predisposition; Hereditary neoplastic syndrome. Identifiers: Orphanet 140162, MedGen C0027672, MeSH D009386, MONDO:0015356.
Tuberous sclerosis 2 (TSC2). Identifiers: Orphanet 805, MedGen C1860707, MONDO:0013199, OMIM 613254.

Submissions (2):

Labcorp Genetics (formerly Invitae), Labcorp
Classification: Uncertain significance for Tuberous sclerosis 2. Last evaluated: 2026-01-28. Review status: criteria provided, single submitter. Criteria: Invitae Variant Classification Sherloc (09022015). Collection method: clinical testing. Allele origin: germline.
Comment: This sequence change replaces histidine, which is basic and polar, with arginine, which is basic and polar, at codon 435 of the TSC2 protein (p.His435Arg). This variant is not present in population databases (gnomAD no frequency). This variant has not been reported in the literature in individuals affected with TSC2-related conditions. ClinVar contains an entry for this variant (Variation ID: 1441967). Invitae Evidence Modeling of protein sequence and biophysical properties (such as structural, functional, and spatial information, amino acid conservation, physicochemical variation, residue mobility, and thermodynamic stability) indicates that this missense variant is not expected to disrupt TSC2 protein function with a negative predictive value of 95%. In summary, the available evidence is currently insufficient to determine the role of this variant in disease. Therefore, it has been classified as a Variant of Uncertain Significance.

Ambry Genetics
Classification: Uncertain significance for Hereditary cancer-predisposing syndrome. Last evaluated: 2024-06-07. Review status: criteria provided, single submitter. Criteria: Ambry Variant Classification Scheme 2023. Collection method: clinical testing. Allele origin: germline.
Comment: The p.H435R variant (also known as c.1304A>G), located in coding exon 12 of the TSC2 gene, results from an A to G substitution at nucleotide position 1304. The histidine at codon 435 is replaced by arginine, an amino acid with highly similar properties. This amino acid position is conserved. In addition, this alteration is predicted to be deleterious by in silico analysis. Based on the available evidence, the clinical significance of this variant remains unclear.

NM_000548.5(TSC2):c.1304A>G (p.His435Arg)

Gene: TSC2 (TSC complex subunit 2; plus strand). Cytogenetic location: 16p13.3.
Variant type: single nucleotide variant.
Coding change: c.1304A>G on transcript NM_000548.5 (MANE Select); coding-DNA position 1304, A replaced by G.
Protein change: p.His435Arg; replaces histidine 435 with arginine.
Molecular consequence: missense variant.
Genome position (GRCh38, 1-based): chr16:2,062,543, A>G. VCF-style: chr16-2062543-A-G. GRCh37 (hg19) VCF-style: chr16-2112544-A-G.
Other names: c.1304A>G, p.His435Arg (NM_001077183.3, NM_001114382.3, NM_001363528.2 and 3 more transcripts); c.1193A>G, p.His398Arg (NM_001318827.2); c.1157A>G, p.His386Arg (NM_001318829.2); c.704A>G, p.His235Arg (NM_001318831.2); c.1337A>G, p.His446Arg (NM_001318832.2); c.1304A>G (NM_000548.3); short protein forms H235R, H398R, H446R, H386R, H435R.
Identifiers: ClinVar variation 1441967 (VCV001441967.9), dbSNP rs1555501389, ClinGen allele CA394322186.